The following is an entry in ClinVar:

ClinVar aggregate classification (germline): Uncertain significance. Review status: criteria provided, multiple submitters, no conflicts (2 of 4 stars). 2 submissions from 2 submitters: Uncertain significance (2). Last evaluated 2022-08-30.

Allele frequency attached by ClinVar (database versions not stated): gnomAD exomes below 0.00001.
gnomAD v4.1: 1 of 1,614,168 alleles (0.000062%); highest among the groups gnomAD compares: South Asian, 0.0011%; no homozygotes.

Submissions (2):

Revvity Omics, Revvity
Classification: Uncertain significance. Last evaluated: 2022-08-30. Review status: criteria provided, single submitter. Criteria: ACMG Guidelines, 2015. Collection method: clinical testing. Allele origin: germline.

GeneDx
Classification: Uncertain significance. Last evaluated: 2022-04-28. Review status: criteria provided, single submitter. Criteria: GeneDx Variant Classification Process June 2021. Collection method: clinical testing. Allele origin: germline. Affected: yes.
Comment: Not observed at significant frequency in large population cohorts (gnomAD); In silico analysis supports that this missense variant has a deleterious effect on protein structure/function; Has not been previously published as pathogenic or benign to our knowledge

NM_007118.4(TRIO):c.1325C>T (p.Thr442Ile)

Gene: TRIO (trio Rho guanine nucleotide exchange factor; plus strand). Cytogenetic location: 5p15.2.
Variant type: single nucleotide variant.
Coding change: c.1325C>T on transcript NM_007118.4 (MANE Select); coding-DNA position 1325, C replaced by T.
Protein change: p.Thr442Ile; replaces threonine 442 with isoleucine.
Molecular consequence: missense variant. On other transcripts: non-coding transcript variant (1).
Genome position (GRCh38, 1-based): chr5:14,297,220, C>T. VCF-style: chr5-14297220-C-T. GRCh37 (hg19) VCF-style: chr5-14297329-C-T.
Other names: short protein forms T442I.
Identifiers: ClinVar variation 1712627 (VCV001712627.4), dbSNP rs2532179141, ClinGen allele CA359216823.